The following is an entry in ClinVar:

ClinVar aggregate classification (germline): Uncertain significance (1 of 4 stars; one submission).

Allele frequency attached by ClinVar (database versions not stated): TOPMed below 0.00001; ExAC 0.00001; gnomAD 0.00001; gnomAD exomes 0.00001; 1000 Genomes Project 30x 0.00031.
gnomAD v4.1: 11 of 1,614,148 alleles (0.00068%); highest among the groups gnomAD compares: East Asian, 0.0045%; no homozygotes.

Submission:

Labcorp Genetics (formerly Invitae), Labcorp
Classification: Uncertain significance. Last evaluated: 2022-02-05. Review status: criteria provided, single submitter. Criteria: Invitae Variant Classification Sherloc (09022015). Collection method: clinical testing. Allele origin: germline.
Comment: This variant has not been reported in the literature in individuals affected with A2ML1-related conditions. In summary, the available evidence is currently insufficient to determine the role of this variant in disease. Therefore, it has been classified as a Variant of Uncertain Significance. Algorithms developed to predict the effect of missense changes on protein structure and function are either unavailable or do not agree on the potential impact of this missense change (SIFT: "Deleterious"; PolyPhen-2: "Probably Damaging"; Align-GVGD: "Class C0"). This variant is present in population databases (rs764660758, gnomAD 0.006%). This sequence change replaces cysteine, which is neutral and slightly polar, with tyrosine, which is neutral and polar, at codon 845 of the A2ML1 protein (p.Cys845Tyr).

NM_144670.6(A2ML1):c.2534G>A (p.Cys845Tyr)

Gene: A2ML1 (alpha-2-macroglobulin like 1; plus strand). Cytogenetic location: 12p13.31.
Variant type: single nucleotide variant.
Coding change: c.2534G>A on transcript NM_144670.6 (MANE Select); coding-DNA position 2534, G replaced by A.
Protein change: p.Cys845Tyr; replaces cysteine 845 with tyrosine.
Molecular consequence: missense variant.
Genome position (GRCh38, 1-based): chr12:8,852,280, G>A. VCF-style: chr12-8852280-G-A. GRCh37 (hg19) VCF-style: chr12-9004876-G-A.
Other names: c.1061G>A, p.Cys354Tyr (NM_001282424.3); short protein forms C354Y, C845Y.
Identifiers: ClinVar variation 1511014 (VCV001511014.8), dbSNP rs764660758, ClinGen allele CA6436039.